The following is an entry in ClinVar:

NM_130811.4(SNAP25):c.46C>T (p.Arg16Ter)

Gene: SNAP25 (synaptosome associated protein 25; plus strand). Cytogenetic location: 20p12.2.
Variant type: single nucleotide variant.
Coding change: c.46C>T on transcript NM_130811.4 (MANE Select); coding-DNA position 46, C replaced by T.
Protein change: p.Arg16Ter; replaces arginine 16 with a stop codon.
Molecular consequence: nonsense.
Genome position (GRCh38, 1-based): chr20:10,275,537, C>T. VCF-style: chr20-10275537-C-T. GRCh37 (hg19) VCF-style: chr20-10256185-C-T.
Other names: c.46C>T, p.Arg16Ter (NM_001322906.2, NM_001322907.2, NM_001322908.2 and 9 more transcripts); short protein forms R16*.
Identifiers: ClinVar variation 4278539 (VCV004278539.2).

ClinVar aggregate classification (germline): Uncertain significance (1 of 4 stars; one submission).

gnomAD v4.1: 3 of 1,602,982 alleles (0.00019%); highest among the groups gnomAD compares: Non-Finnish European, 0.00017%; no homozygotes.

Submission:

GeneDx
Classification: Uncertain significance. Last evaluated: 2026-06-23. Review status: criteria provided, single submitter. Criteria: GeneDx Variant Classification Process June 2021. Collection method: clinical testing. Allele origin: germline.
Comment: Nonsense variant predicted to result in protein truncation or nonsense mediated decay in a gene for which loss-of-function is not an established mechanism of disease; Not observed at significant frequency in large population cohorts (gnomAD); De novo variant with confirmed parentage in patients referred for genetic testing at GeneDx with reported clinical features that are only partially consistent with the features typically observed in individuals with pathogenic variants in this gene; Has not been previously published as pathogenic or benign to our knowledge